The following is an entry in ClinVar:

NM_001171.6(ABCC6):c.2915C>T (p.Ala972Val)

Gene: ABCC6 (ATP binding cassette subfamily C member 6; minus strand). Cytogenetic location: 16p13.11.
Variant type: single nucleotide variant.
Coding change: c.2915C>T on transcript NM_001171.6 (MANE Select); coding-DNA position 2915, C replaced by T.
Protein change: p.Ala972Val; replaces alanine 972 with valine.
Molecular consequence: missense variant. On other transcripts: non-coding transcript variant (1).
Genome position (GRCh38, 1-based): chr16:16,169,726, G>A on the plus strand (C>T on the coding strand, the complement: ABCC6 is on the minus strand). VCF-style: chr16-16169726-G-A. GRCh37 (hg19) VCF-style: chr16-16263583-G-A.
Other names: c.2573C>T, p.Ala858Val (NM_001351800.1); short protein forms A972V, A858V.
Identifiers: ClinVar variation 1989240 (VCV001989240.2), dbSNP rs768619900, ClinGen allele CA7925751.

ClinVar aggregate classification (germline): Uncertain significance (1 of 4 stars; one submission).

Allele frequency attached by ClinVar (database versions not stated): ExAC 0.00004; gnomAD 0.00004.
gnomAD v4.1: 49 of 1,609,558 alleles (0.003%); highest among the groups gnomAD compares: African/African-American, 0.0093%; no homozygotes.

Submission:

Labcorp Genetics (formerly Invitae), Labcorp
Classification: Uncertain significance. Last evaluated: 2023-12-07. Review status: criteria provided, single submitter. Criteria: Invitae Variant Classification Sherloc (09022015). Collection method: clinical testing. Allele origin: germline.
Comment: This sequence change replaces alanine, which is neutral and non-polar, with valine, which is neutral and non-polar, at codon 972 of the ABCC6 protein (p.Ala972Val). The frequency data for this variant in the population databases is considered unreliable, as metrics indicate poor data quality at this position in the gnomAD database. This variant has not been reported in the literature in individuals affected with ABCC6-related conditions. ClinVar contains an entry for this variant (Variation ID: 1989240). Advanced modeling of protein sequence and biophysical properties (such as structural, functional, and spatial information, amino acid conservation, physicochemical variation, residue mobility, and thermodynamic stability) performed at Invitae indicates that this missense variant is not expected to disrupt ABCC6 protein function with a negative predictive value of 80%. In summary, the available evidence is currently insufficient to determine the role of this variant in disease. Therefore, it has been classified as a Variant of Uncertain Significance.